The following is an entry in ClinVar:

NM_000214.3(JAG1):c.2550C>T (p.His850=)

Gene: JAG1 (jagged canonical Notch ligand 1; minus strand). Cytogenetic location: 20p12.2.
Variant type: single nucleotide variant.
Coding change: c.2550C>T on transcript NM_000214.3 (MANE Select); coding-DNA position 2550, C replaced by T.
Protein change: p.His850=; no amino-acid change (histidine 850 retained).
Molecular consequence: synonymous variant.
Genome position (GRCh38, 1-based): chr20:10,642,510, G>A on the plus strand (C>T on the coding strand, the complement: JAG1 is on the minus strand). VCF-style: chr20-10642510-G-A. GRCh37 (hg19) VCF-style: chr20-10623158-G-A.
Other names: c.2550C>T (NM_000214.2).
Identifiers: ClinVar variation 1099611 (VCV001099611.12), dbSNP rs777696420, ClinGen allele CA9764474.

ClinVar aggregate classification (germline): Likely benign. Review status: criteria provided, multiple submitters, no conflicts (2 of 4 stars). 3 submissions from 3 submitters: Likely benign (2). 1 of the submissions does not count toward it. Last evaluated 2023-05-15.

Conditions:
Alagille syndrome due to a JAG1 point mutation. Also called: Alagille Syndrome 1; JAG1-Related Alagille Syndrome; HEPATIC DUCTULAR HYPOPLASIA, SYNDROMATIC. Identifiers: Orphanet 261619, Orphanet 52, MedGen C1956125, MONDO:0016862, OMIM 118450.
JAG1-related disorder. Also called: JAG1-related condition; JAG1-related disorders.
Cardiovascular phenotype. Identifiers: MedGen CN230736.

Allele frequency attached by ClinVar (database versions not stated): ExAC 0.00002; gnomAD 0.00002 and 0.00003; TOPMed 0.00002; gnomAD exomes 0.00003 and 0.00007.
gnomAD v4.1: 100 of 1,610,104 alleles (0.0062%); highest among the groups gnomAD compares: Non-Finnish European, 0.0082%; no homozygotes.

Submissions (3):

Ambry Genetics
Classification: Likely benign for Cardiovascular phenotype. Last evaluated: 2023-05-15. Review status: criteria provided, single submitter. Criteria: Ambry Variant Classification Scheme 2023. Collection method: clinical testing. Allele origin: germline.

Labcorp Genetics (formerly Invitae), Labcorp
Classification: Likely benign for Alagille syndrome due to a JAG1 point mutation. Last evaluated: 2020-09-25. Review status: criteria provided, single submitter. Criteria: Invitae Variant Classification Sherloc (09022015). Collection method: clinical testing. Allele origin: germline.

PreventionGenetics, part of Exact Sciences
Classification: Likely benign for JAG1-related condition. Last evaluated: 2022-04-27. Review status: no assertion criteria provided. Collection method: clinical testing. Allele origin: germline. Not counted in ClinVar's aggregate classification.
Comment: This variant is classified as likely benign based on ACMG/AMP sequence variant interpretation guidelines (Richards et al. 2015 PMID: 25741868, with internal and published modifications).